The following is an entry in ClinVar:

ClinVar aggregate classification (germline): Uncertain significance (1 of 4 stars; one submission).

Conditions:
Neuronopathy, distal hereditary motor, autosomal dominant 11. Also called: NEUROPATHY, DISTAL HEREDITARY MOTOR, 11. Identifiers: MedGen C5882697, MONDO:0957875, OMIM 620528.
Spastic paraplegia 91, autosomal dominant, with or without cerebellar ataxia (SPG91). Identifiers: MedGen C5882701, MONDO:0957813, OMIM 620538.
Developmental delay with or without epilepsy (DEVEP). Identifiers: MedGen C5882702, MONDO:0957815, OMIM 620540.
Developmental and epileptic encephalopathy, 5 (DEE5). Identifiers: Orphanet 3451, MedGen C3150731, MONDO:0013277, OMIM 613477.

Submission:

Juno Genomics, Hangzhou Juno Genomics, Inc
Classification: Uncertain significance for Developmental delay with or without epilepsy; Neuronopathy, distal hereditary motor, autosomal dominant 11; Spastic paraplegia 91, autosomal dominant, with or without cerebellar ataxia; Developmental and epileptic encephalopathy, 5. Review status: criteria provided, single submitter. Criteria: ACMG Guidelines, 2015. Collection method: clinical testing. Allele origin: germline.
Comment: Absent from controls (or at extremely low frequency if recessive) in Genome Aggregation Database.;Missense variant in a gene that has a low rate of benign missense variation.

NM_001130438.3(SPTAN1):c.4343A>G (p.Gln1448Arg)

Gene: SPTAN1 (spectrin alpha, non-erythrocytic 1; plus strand). Cytogenetic location: 9q34.11.
Variant type: single nucleotide variant.
Coding change: c.4343A>G on transcript NM_001130438.3 (MANE Select); coding-DNA position 4343, A replaced by G.
Protein change: p.Gln1448Arg; replaces glutamine 1448 with arginine.
Molecular consequence: missense variant.
Genome position (GRCh38, 1-based): chr9:128,608,048, A>G. VCF-style: chr9-128608048-A-G. GRCh37 (hg19) VCF-style: chr9-131370327-A-G.
Other names: c.4343A>G, p.Gln1448Arg (NM_001438445.1, NM_003127.4, NM_001375310.1 and 4 more transcripts); c.4283A>G, p.Gln1428Arg (NM_001363765.2, NM_001375314.2, NM_001438441.1 and 3 more transcripts); c.4379A>G, p.Gln1460Arg (NM_001375312.2, NM_001375318.1, NM_001438440.1); short protein forms Q1448R, Q1428R, Q1460R.
Identifiers: ClinVar variation 5007396 (VCV005007396.2).
Genomic context (GRCh38, chr9:128,608,048, plus strand): 5'-CAGACCTGGAGAAGGCCTGGGTTCAGCGCAGGATGATGCTGGATCAGTGCCTTGAACTGC[A>G]GGTGTGTGTGCTCCTGGTTTCTGACCAAGTGTTTCCTTGCTGAAGGGCCTCATTTTCTCA-3'
Protein context (NP_001123910.1, residues 1438-1458): RMMLDQCLEL[Gln1448Arg]LFHRDCEQAE